The following is an entry in ClinVar:

ClinVar aggregate classification (germline): Benign (1 of 4 stars; one submission).

Allele frequency attached by ClinVar (database versions not stated): 1000 Genomes Project 30x 0.01968; 1000 Genomes Project 0.01997; TOPMed 0.03556; gnomAD 0.03888 and 0.03978; gnomAD exomes 0.04398.

Submission:

GeneDx
Classification: Benign. Last evaluated: 2018-06-14. Review status: criteria provided, single submitter. Criteria: GeneDx Variant Classification (06012015). Collection method: clinical testing. Allele origin: germline. Affected: yes.
Comment: This variant is considered likely benign or benign based on one or more of the following criteria: it is a conservative change, it occurs at a poorly conserved position in the protein, it is predicted to be benign by multiple in silico algorithms, and/or has population frequency not consistent with disease.

NM_001851.6(COL9A1):c.1342-152T>G

Gene: COL9A1 (collagen type IX alpha 1 chain; minus strand). Cytogenetic location: 6q13.
Variant type: single nucleotide variant.
Coding change: c.1342-152T>G on transcript NM_001851.6 (MANE Select); 152 bases into the intron before coding-DNA position 1342, T replaced by G.
Molecular consequence: intron variant.
Genome position (GRCh38, 1-based): chr6:70,263,449, A>C on the plus strand (T>G on the coding strand, the complement: COL9A1 is on the minus strand). VCF-style: chr6-70263449-A-C. GRCh37 (hg19) VCF-style: chr6-70973152-A-C.
Other names: c.613-152T>G (NM_001377290.1, NM_078485.4, NM_001377289.1).
Identifiers: ClinVar variation 678734 (VCV000678734.1), dbSNP rs11760185, ClinGen allele CA140874890.